The following is an entry in ClinVar:

ClinVar aggregate classification (germline): Benign/Likely benign. Review status: criteria provided, multiple submitters, no conflicts (2 of 4 stars). 2 submissions from 2 submitters: Benign (1); Likely benign (1). Last evaluated 2025-11-01.

Allele frequency attached by ClinVar (database versions not stated): TOPMed 0.00151; 1000 Genomes Project 0.00160; 1000 Genomes Project 30x 0.00187; ESP Exome Variant Server 0.00223; gnomAD 0.00388.
gnomAD v4.1: 4,539 of 1,583,728 alleles (0.29%); highest among the groups gnomAD compares: Non-Finnish European, 0.27%; 18 homozygotes.

Submissions (4):

CeGaT Center for Human Genetics Tuebingen
Classification: Likely benign. Last evaluated: 2025-11-01. Review status: criteria provided, single submitter. Criteria: CeGaT Center For Human Genetics Tuebingen Variant Classification Criteria Version 2. Collection method: clinical testing. Allele origin: germline. Affected: yes. Observed: 1 variant allele.
Comment: SLC10A1: BP4, BP7

Labcorp Genetics (formerly Invitae), Labcorp
Classification: Benign. Last evaluated: 2019-01-02. Review status: criteria provided, single submitter. Criteria: Invitae Variant Classification Sherloc (09022015). Collection method: clinical testing. Allele origin: germline.

Dr. Peter K. Rogan Lab, Western University
No classification provided (evidence only). Condition: Colorectal cancer. Review status: no classification provided. Collection method: in vitro. Allele origin: not applicable. Functional consequence: retained intron. Not counted in ClinVar's aggregate classification.

Dr. Peter K. Rogan Lab, Western University
No classification provided (evidence only). Condition: Gastric cancer. Review status: no classification provided. Collection method: in vitro. Allele origin: not applicable. Functional consequence: retained intron. Not counted in ClinVar's aggregate classification.

NM_003049.4(SLC10A1):c.745C>A (p.Arg249=)

Gene: SLC10A1 (solute carrier family 10 member 1; minus strand). Cytogenetic location: 14q24.1.
Variant type: single nucleotide variant.
Coding change: c.745C>A on transcript NM_003049.4 (MANE Select); coding-DNA position 745, C replaced by A.
Protein change: p.Arg249=; no amino-acid change (arginine 249 retained).
Molecular consequence: synonymous variant.
Genome position (GRCh38, 1-based): chr14:69,779,183, G>T on the plus strand (C>A on the coding strand, the complement: SLC10A1 is on the minus strand). VCF-style: chr14-69779183-G-T. GRCh37 (hg19) VCF-style: chr14-70245900-G-T.
Other names: NC_000014.8:g.70245900G>T.
Identifiers: ClinVar variation 731281 (VCV000731281.10), dbSNP rs76966244, ClinGen allele CA7246023.